The following is an entry in ClinVar:

NM_014845.6(FIG4):c.998C>T (p.Ser333Phe)

Gene: FIG4 (FIG4 phosphoinositide 5-phosphatase; plus strand). Cytogenetic location: 6q21.
Variant type: single nucleotide variant.
Coding change: c.998C>T on transcript NM_014845.6 (MANE Select); coding-DNA position 998, C replaced by T.
Protein change: p.Ser333Phe; replaces serine 333 with phenylalanine.
Molecular consequence: missense variant.
Genome position (GRCh38, 1-based): chr6:109,743,231, C>T. VCF-style: chr6-109743231-C-T. GRCh37 (hg19) VCF-style: chr6-110064434-C-T.
Other names: short protein forms S333F.
Identifiers: ClinVar variation 1768816 (VCV001768816.7), dbSNP rs2486136276, ClinGen allele CA365221992.

ClinVar aggregate classification (germline): Uncertain significance. Review status: criteria provided, multiple submitters, no conflicts (2 of 4 stars). 2 submissions from 2 submitters: Uncertain significance (2). Last evaluated 2022-03-04.

Conditions:
Charcot-Marie-Tooth disease type 4. Also called: Charcot-Marie-Tooth disease, type IV; Charcot-Marie-Tooth, Type 4. Identifiers: Orphanet 64749, MedGen C4082197, MONDO:0018995.
Inborn genetic diseases. Identifiers: MedGen C0950123, MeSH D030342.

Allele frequency attached by ClinVar (database versions not stated): gnomAD exomes below 0.00001.
gnomAD v4.1: 3 of 1,612,926 alleles (0.00019%); highest among the groups gnomAD compares: Non-Finnish European, 0.00017%; no homozygotes.

Submissions (2):

Labcorp Genetics (formerly Invitae), Labcorp
Classification: Uncertain significance for Charcot-Marie-Tooth disease type 4. Last evaluated: 2022-03-04. Review status: criteria provided, single submitter. Criteria: Invitae Variant Classification Sherloc (09022015). Collection method: clinical testing. Allele origin: germline.
Comment: Algorithms developed to predict the effect of missense changes on protein structure and function are either unavailable or do not agree on the potential impact of this missense change (SIFT: "Deleterious"; PolyPhen-2: "Probably Damaging"; Align-GVGD: "Class C0"). This variant has not been reported in the literature in individuals affected with FIG4-related conditions. This variant is not present in population databases (gnomAD no frequency). This sequence change replaces serine, which is neutral and polar, with phenylalanine, which is neutral and non-polar, at codon 333 of the FIG4 protein (p.Ser333Phe). In summary, the available evidence is currently insufficient to determine the role of this variant in disease. Therefore, it has been classified as a Variant of Uncertain Significance.

Ambry Genetics
Classification: Uncertain significance for Inborn genetic diseases. Last evaluated: 2021-08-30. Review status: criteria provided, single submitter. Criteria: Ambry Variant Classification Scheme 2023. Collection method: clinical testing. Allele origin: germline.
Comment: The p.S333F variant (also known as c.998C>T), located in coding exon 9 of the FIG4 gene, results from a C to T substitution at nucleotide position 998. The serine at codon 333 is replaced by phenylalanine, an amino acid with highly dissimilar properties. This amino acid position is conserved. In addition, this alteration is predicted to be deleterious by in silico analysis. Since supporting evidence is limited at this time, the clinical significance of this alteration remains unclear.